The following is an entry in ClinVar:

NM_001023570.4(IQCB1):c.394-3A>G

Gene: IQCB1 (IQ motif containing B1; minus strand). Cytogenetic location: 3q13.33.
Variant type: single nucleotide variant.
Coding change: c.394-3A>G on transcript NM_001023570.4 (MANE Select); 3 bases into the intron before coding-DNA position 394, A replaced by G.
Molecular consequence: intron variant.
Genome position (GRCh38, 1-based): chr3:121,809,012, T>C on the plus strand (A>G on the coding strand, the complement: IQCB1 is on the minus strand). VCF-style: chr3-121809012-T-C. GRCh37 (hg19) VCF-style: chr3-121527859-T-C.
Other names: c.394-3A>G (NM_001319107.2, NM_001023571.4).
Identifiers: ClinVar variation 2417024 (VCV002417024.4), dbSNP rs2472459446, ClinGen allele CA2580068617.

ClinVar aggregate classification (germline): Uncertain significance (1 of 4 stars; one submission).

Conditions:
Nephronophthisis. Also called: Juvenile Nephronophthisis. Identifiers: Orphanet 655, MedGen C0687120, MONDO:0019005, HP:0000090.

Submission:

Labcorp Genetics (formerly Invitae), Labcorp
Classification: Uncertain significance for Nephronophthisis. Last evaluated: 2022-07-26. Review status: criteria provided, single submitter. Criteria: Invitae Variant Classification Sherloc (09022015). Collection method: clinical testing. Allele origin: germline.
Comment: In summary, the available evidence is currently insufficient to determine the role of this variant in disease. Therefore, it has been classified as a Variant of Uncertain Significance. Variants that disrupt the consensus splice site are a relatively common cause of aberrant splicing (PMID: 17576681, 9536098). Algorithms developed to predict the effect of sequence changes on RNA splicing suggest that this variant may disrupt the consensus splice site. This variant has not been reported in the literature in individuals affected with IQCB1-related conditions. This variant is not present in population databases (gnomAD no frequency). This sequence change falls in intron 5 of the IQCB1 gene. It does not directly change the encoded amino acid sequence of the IQCB1 protein. It affects a nucleotide within the consensus splice site.

Literature cited by the submitters: PubMed 17576681; PubMed 9536098.